The following is an entry in ClinVar:

ClinVar aggregate classification (germline): Uncertain significance (1 of 4 stars; one submission).

Conditions:
Chromosome 2q32-q33 deletion syndrome (GLASS). Also called: Glass syndrome; 2q33.1 deletion syndrome. Identifiers: Orphanet 251019, MedGen C2676739, MONDO:0012864, OMIM 612313.

Allele frequency attached by ClinVar (database versions not stated): gnomAD 0.00001; gnomAD exomes 0.00001; TOPMed 0.00001; ExAC 0.00002; ESP Exome Variant Server 0.00015.
gnomAD v4.1: 8 of 1,614,042 alleles (0.0005%); highest among the groups gnomAD compares: African/African-American, 0.0027%; no homozygotes.

Submission:

Labcorp Genetics (formerly Invitae), Labcorp
Classification: Uncertain significance for Chromosome 2q32-q33 deletion syndrome. Last evaluated: 2025-11-05. Review status: criteria provided, single submitter. Criteria: Invitae Variant Classification Sherloc (09022015). Collection method: clinical testing. Allele origin: germline.
Comment: This sequence change replaces alanine, which is neutral and non-polar, with threonine, which is neutral and polar, at codon 683 of the SATB2 protein (p.Ala683Thr). This variant is present in population databases (rs372032415, gnomAD 0.007%). This variant has not been reported in the literature in individuals affected with SATB2-related conditions. ClinVar contains an entry for this variant (Variation ID: 537272). Invitae Evidence Modeling incorporating data from in vitro experimental studies (internal data) indicates that this missense variant is not expected to disrupt SATB2 function with a negative predictive value of 95%. In summary, the available evidence is currently insufficient to determine the role of this variant in disease. Therefore, it has been classified as a Variant of Uncertain Significance.

NM_001172509.2(SATB2):c.2047G>A (p.Ala683Thr)

Genes: SATB2 (SATB homeobox 2; minus strand), LOC126806462 (MED14-independent group 3 enhancer GRCh37_chr2:200136608-200137807; plus strand). Cytogenetic location: 2q33.1.
Variant type: single nucleotide variant.
Coding change: c.2047G>A on transcript NM_001172509.2 (MANE Select); coding-DNA position 2047, G replaced by A.
Protein change: p.Ala683Thr; replaces alanine 683 with threonine.
Molecular consequence: missense variant.
Genome position (GRCh38, 1-based): chr2:199,272,366, C>T on the plus strand (G>A on the coding strand, the complement: SATB2 is on the minus strand). VCF-style: chr2-199272366-C-T. GRCh37 (hg19) VCF-style: chr2-200137089-C-T.
Other names: c.2047G>A, p.Ala683Thr (NM_001172517.1, NM_015265.4); short protein forms A683T.
Identifiers: ClinVar variation 537272 (VCV000537272.11), dbSNP rs372032415, ClinGen allele CA2045766.